The following is an entry in ClinVar:

NM_052947.4(ALPK2):c.614C>A (p.Pro205Gln)

Gene: ALPK2 (alpha kinase 2; minus strand). Cytogenetic location: 18q21.31.
Variant type: single nucleotide variant.
Coding change: c.614C>A on transcript NM_052947.4 (MANE Select); coding-DNA position 614, C replaced by A.
Protein change: p.Pro205Gln; replaces proline 205 with glutamine.
Molecular consequence: missense variant.
Genome position (GRCh38, 1-based): chr18:58,580,162, G>T on the plus strand (C>A on the coding strand, the complement: ALPK2 is on the minus strand). VCF-style: chr18-58580162-G-T. GRCh37 (hg19) VCF-style: chr18-56247394-G-T.
Other names: short protein forms P205Q.
Identifiers: ClinVar variation 1751869 (VCV001751869.2), dbSNP rs2518900031, ClinGen allele CA402567600.

ClinVar aggregate classification (germline): Uncertain significance (1 of 4 stars; one submission).

Submission:

Ambry Genetics
Classification: Uncertain significance. Last evaluated: 2022-05-23. Review status: criteria provided, single submitter. Criteria: Ambry Variant Classification Scheme 2023. Collection method: clinical testing. Allele origin: germline.
Comment: The p.P205Q variant (also known as c.614C>A), located in coding exon 3 of the ALPK2 gene, results from a C to A substitution at nucleotide position 614. The proline at codon 205 is replaced by glutamine, an amino acid with similar properties. This amino acid position is conserved. In addition, this alteration is predicted to be tolerated by in silico analysis. Since supporting evidence is limited at this time, the clinical significance of this alteration remains unclear.